The following is an entry in ClinVar:

ClinVar aggregate classification (germline): Uncertain significance (1 of 4 stars; one submission).

gnomAD v4.1: 38 of 1,614,044 alleles (0.0024%); highest among the groups gnomAD compares: African/African-American, 0.004%; no homozygotes.

Submission:

GeneDx
Classification: Uncertain significance. Last evaluated: 2026-08-22. Review status: criteria provided, single submitter. Criteria: GeneDx Variant Classification Process June 2021. Collection method: clinical testing. Allele origin: germline.
Comment: In silico analysis suggests that this missense variant does not alter protein structure/function; Has not been previously published as pathogenic or benign to our knowledge

NM_025077.4(TOE1):c.773A>C (p.Gln258Pro)

Gene: TOE1 (target of EGR1, exonuclease; plus strand). Cytogenetic location: 1p34.1.
Variant type: single nucleotide variant.
Coding change: c.773A>C on transcript NM_025077.4 (MANE Select); coding-DNA position 773, A replaced by C.
Protein change: p.Gln258Pro; replaces glutamine 258 with proline.
Molecular consequence: missense variant.
Genome position (GRCh38, 1-based): chr1:45,342,863, A>C. VCF-style: chr1-45342863-A-C. GRCh37 (hg19) VCF-style: chr1-45808535-A-C.
Other names: short protein forms Q258P.
Identifiers: ClinVar variation 4531048 (VCV004531048.2).